The following is an entry in ClinVar:

ClinVar aggregate classification (germline): Uncertain significance (0 of 4 stars; one submission).

Conditions:
SETD2-related disorder.

gnomAD v4.1: 2 of 1,551,796 alleles (0.00013%); highest among the groups gnomAD compares: East Asian, 0.0049%; no homozygotes.

Submission:

PreventionGenetics, part of Exact Sciences
Classification: Uncertain significance for SETD2-related condition. Last evaluated: 2024-01-18. Review status: no assertion criteria provided. Collection method: clinical testing. Allele origin: germline.
Comment: The SETD2 c.701C>T variant is predicted to result in the amino acid substitution p.Ala234Val. To our knowledge, this variant has not been reported in the literature. This variant is reported in 0.018% of alleles in individuals of East Asian descent in gnomAD. Although we suspect that this variant may be benign, at this time, the clinical significance of this variant is uncertain due to the absence of conclusive functional and genetic evidence.

NM_014159.7(SETD2):c.701C>T (p.Ala234Val)

Gene: SETD2 (SET domain containing 2, histone lysine methyltransferase; minus strand). Cytogenetic location: 3p21.31.
Variant type: single nucleotide variant.
Coding change: c.701C>T on transcript NM_014159.7 (MANE Select); coding-DNA position 701, C replaced by T.
Protein change: p.Ala234Val; replaces alanine 234 with valine.
Molecular consequence: missense variant. On other transcripts: non-coding transcript variant (1).
Genome position (GRCh38, 1-based): chr3:47,123,935, G>A on the plus strand (C>T on the coding strand, the complement: SETD2 is on the minus strand). VCF-style: chr3-47123935-G-A. GRCh37 (hg19) VCF-style: chr3-47165425-G-A.
Other names: c.569C>T, p.Ala190Val (NM_001349370.3); short protein forms A190V, A234V.
Identifiers: ClinVar variation 3031955 (VCV003031955.2), dbSNP rs1328781978, ClinGen allele CA352535316.